The following is an entry in ClinVar:

NM_001166108.2(PALLD):c.1965-12702T>G

Gene: PALLD (palladin, cytoskeletal associated protein; plus strand). Cytogenetic location: 4q32.3.
Variant type: single nucleotide variant.
Coding change: c.1965-12702T>G on transcript NM_001166108.2 (MANE Select); 12702 bases into the intron before coding-DNA position 1965, T replaced by G.
Molecular consequence: intron variant. On other transcripts: missense variant (1).
Genome position (GRCh38, 1-based): chr4:168,878,220, T>G. VCF-style: chr4-168878220-T-G. GRCh37 (hg19) VCF-style: chr4-169799371-T-G.
Other names: c.329T>G, p.Leu110Arg (NM_001166110.2); c.1965-12702T>G (NM_016081.4); c.819-12702T>G (NM_001166109.2); c.-157-12702T>G (NM_001367570.1, NM_001367568.1, NM_001367567.1 and 1 more transcripts); short protein forms L110R.
Identifiers: ClinVar variation 952694 (VCV000952694.10), dbSNP rs1560840468, ClinGen allele CA358796303.

ClinVar aggregate classification (germline): Uncertain significance. Review status: criteria provided, multiple submitters, no conflicts (2 of 4 stars). 2 submissions from 2 submitters: Uncertain significance (2). Last evaluated 2025-09-05.

Conditions:
Pancreatic adenocarcinoma. Identifiers: MedGen C0281361, MONDO:0006047, HP:0006725.

Allele frequency attached by ClinVar (database versions not stated): gnomAD exomes 0.00001 and 0.00002.
gnomAD v4.1: 27 of 1,374,928 alleles (0.002%); highest among the groups gnomAD compares: Non-Finnish European, 0.0026%; no homozygotes.

Submissions (2):

Ambry Genetics
Classification: Uncertain significance. Last evaluated: 2025-09-05. Review status: criteria provided, single submitter. Criteria: Ambry Variant Classification Scheme 2023. Collection method: clinical testing. Allele origin: germline.
Comment: The p.L110R variant (also known as c.329T>G), located in coding exon 1 of the PALLD gene, results from a T to G substitution at nucleotide position 329. The leucine at codon 110 is replaced by arginine, an amino acid with dissimilar properties. This amino acid position is well conserved in available vertebrate species. In addition, this alteration is predicted to be tolerated by in silico analysis. The evidence for this gene-disease relationship is limited; therefore, the clinical significance of this alteration is unclear.

Labcorp Genetics (formerly Invitae), Labcorp
Classification: Uncertain significance for Pancreatic adenocarcinoma. Last evaluated: 2023-08-27. Review status: criteria provided, single submitter. Criteria: Invitae Variant Classification Sherloc (09022015). Collection method: clinical testing. Allele origin: germline.
Comment: In summary, the available evidence is currently insufficient to determine the role of this variant in disease. Therefore, it has been classified as a Variant of Uncertain Significance. An algorithm developed to predict the effect of missense changes on protein structure and function (PolyPhen-2) suggests that this variant is likely to be disruptive. ClinVar contains an entry for this variant (Variation ID: 952694). This variant has not been reported in the literature in individuals affected with PALLD-related conditions. This variant is present in population databases (no rsID available, gnomAD 0.002%). This sequence change replaces leucine, which is neutral and non-polar, with arginine, which is basic and polar, at codon 110 of the PALLD protein (p.Leu110Arg).